The following is an entry in ClinVar:

ClinVar aggregate classification (germline): Uncertain significance (1 of 4 stars; one submission).

Conditions:
Trichorhinophalangeal dysplasia type I (TRPS1). Also called: TRICHORHINOPHALANGEAL SYNDROME, TYPE I; TRPS I. Identifiers: Orphanet 77258, MedGen C0432233, MONDO:0008596, OMIM 190350.
Trichorhinophalangeal syndrome, type III (TRPS3). Also called: SUGIO-KAJII SYNDROME. Identifiers: Orphanet 77258, MedGen C1860823, OMIM 190351, MONDO:0008597.

Submission:

Labcorp Genetics (formerly Invitae), Labcorp
Classification: Uncertain significance for Trichorhinophalangeal syndrome, type III; Trichorhinophalangeal dysplasia type I. Last evaluated: 2024-05-12. Review status: criteria provided, single submitter. Criteria: Invitae Variant Classification Sherloc (09022015). Collection method: clinical testing. Allele origin: germline.
Comment: This sequence change replaces glycine, which is neutral and non-polar, with glutamic acid, which is acidic and polar, at codon 317 of the TRPS1 protein (p.Gly317Glu). This variant is not present in population databases (gnomAD no frequency). This variant has not been reported in the literature in individuals affected with TRPS1-related conditions. Advanced modeling of protein sequence and biophysical properties (such as structural, functional, and spatial information, amino acid conservation, physicochemical variation, residue mobility, and thermodynamic stability) performed at Invitae indicates that this missense variant is expected to disrupt TRPS1 protein function with a positive predictive value of 80%. In summary, the available evidence is currently insufficient to determine the role of this variant in disease. Therefore, it has been classified as a Variant of Uncertain Significance.

NM_014112.5(TRPS1):c.950G>A (p.Gly317Glu)

Gene: TRPS1 (transcriptional repressor GATA binding 1; minus strand). Cytogenetic location: 8q23.3.
Variant type: single nucleotide variant.
Coding change: c.950G>A on transcript NM_014112.5 (MANE Select); coding-DNA position 950, G replaced by A.
Protein change: p.Gly317Glu; replaces glycine 317 with glutamic acid.
Molecular consequence: missense variant.
Genome position (GRCh38, 1-based): chr8:115,619,148, C>T on the plus strand (G>A on the coding strand, the complement: TRPS1 is on the minus strand). VCF-style: chr8-115619148-C-T. GRCh37 (hg19) VCF-style: chr8-116631375-C-T.
Other names: c.923G>A, p.Gly308Glu (NM_001282902.3); c.929G>A, p.Gly310Glu (NM_001282903.3); c.911G>A, p.Gly304Glu (NM_001330599.2); short protein forms G304E, G308E, G310E, G317E.
Identifiers: ClinVar variation 3756321 (VCV003756321.2).